The following is an entry in ClinVar:

NM_000540.3(RYR1):c.10240C>T (p.Arg3414Cys)

Gene: RYR1 (ryanodine receptor 1; plus strand). Cytogenetic location: 19q13.2.
Variant type: single nucleotide variant.
Coding change: c.10240C>T on transcript NM_000540.3 (MANE Select); coding-DNA position 10240, C replaced by T.
Protein change: p.Arg3414Cys; replaces arginine 3414 with cysteine.
Molecular consequence: missense variant.
Genome position (GRCh38, 1-based): chr19:38,519,435, C>T. VCF-style: chr19-38519435-C-T. GRCh37 (hg19) VCF-style: chr19-39010075-C-T.
Other names: c.10240C>T, p.Arg3414Cys (NM_001042723.2); short protein forms R3414C.
Identifiers: ClinVar variation 3070785 (VCV003070785.4), dbSNP rs148892609, ClinGen allele CA052670.

ClinVar aggregate classification (germline): Uncertain significance. Review status: criteria provided, multiple submitters, no conflicts (2 of 4 stars). 3 submissions from 3 submitters: Uncertain significance (3). Last evaluated 2025-08-26.

Conditions:
Malignant hyperthermia, susceptibility to, 1 (MHS1). Also called: Anesthesia related hyperthermia; Malignant hyperpyrexia; Fulminating hyperpyrexia; Pharmacogenic myopathy; RYR1-Related Malignant Hyperthermia Susceptibility; Malignant hyperthermia suceptibility 1. Identifiers: Orphanet 423, MedGen C2930980, MONDO:0007783, OMIM 145600.
RYR1-related disorder. Also called: RYR1-related condition; RYR1-related disorders. Identifiers: MedGen CN239331.

Allele frequency attached by ClinVar (database versions not stated): ExAC 0.00003; gnomAD 0.00004; ESP Exome Variant Server 0.00008.

Submissions (3):

Color Diagnostics, LLC DBA Color Health
Classification: Uncertain significance for Malignant hyperthermia, susceptibility to, 1. Last evaluated: 2025-08-26. Review status: criteria provided, single submitter. Criteria: ACMG Guidelines, 2015. Collection method: clinical testing. Allele origin: germline.
Comment: This missense variant replaces arginine with cysteine at codon 3414 of the RYR1 protein. Computational prediction suggests that this variant may have deleterious impact on protein structure and function. To our knowledge, functional studies have not been reported for this variant. This variant has not been reported in individuals affected with RYR1-related disorders in the literature. This variant has been identified in 7/254366 chromosomes in the general population by the Genome Aggregation Database (gnomAD). The available evidence is insufficient to determine the role of this variant in disease conclusively. Therefore, this variant is classified as a Variant of Uncertain Significance.

Labcorp Genetics (formerly Invitae), Labcorp
Classification: Uncertain significance for RYR1-related disorder. Last evaluated: 2024-10-23. Review status: criteria provided, single submitter. Criteria: Invitae Variant Classification Sherloc (09022015). Collection method: clinical testing. Allele origin: germline.
Comment: This sequence change replaces arginine, which is basic and polar, with cysteine, which is neutral and slightly polar, at codon 3414 of the RYR1 protein (p.Arg3414Cys). The frequency data for this variant in the population databases is considered unreliable, as metrics indicate poor data quality at this position in the gnomAD database. This variant has not been reported in the literature in individuals affected with RYR1-related conditions. Invitae Evidence Modeling of protein sequence and biophysical properties (such as structural, functional, and spatial information, amino acid conservation, physicochemical variation, residue mobility, and thermodynamic stability) indicates that this missense variant is not expected to disrupt RYR1 protein function with a negative predictive value of 80%. In summary, the available evidence is currently insufficient to determine the role of this variant in disease. Therefore, it has been classified as a Variant of Uncertain Significance.

All of Us Research Program, National Institutes of Health
Classification: Uncertain significance for Malignant hyperthermia, susceptibility to, 1. Last evaluated: 2024-05-09. Review status: criteria provided, single submitter. Criteria: ACMG Guidelines, 2015. Collection method: clinical testing. Allele origin: germline. Inheritance: Autosomal dominant inheritance. Observed: 5 variant alleles, 5 heterozygotes.
Comment: This missense variant replaces arginine with cysteine at codon 3414 of the RYR1 protein. Computational prediction suggests that this variant may have deleterious impact on protein structure and function (internally defined REVEL score threshold >= 0.7, PMID: 27666373). To our knowledge, functional studies have not been reported for this variant. This variant has not been reported in individuals affected with RYR1-related disorders in the literature. This variant has been identified in 7/254366 chromosomes in the general population by the Genome Aggregation Database (gnomAD). The available evidence is insufficient to determine the role of this variant in disease conclusively. Therefore, this variant is classified as a Variant of Uncertain Significance.

This study involves interpretation of variants in research participants for the purpose of population health screening. Participant phenotype was not available at the time of variant classification. Additional details can be found in publication PMID: 35346344, PMCID: PMC8962531